The following is an entry in ClinVar:

NM_001100913.3(PACS2):c.2417G>C (p.Ser806Thr)

Gene: PACS2 (phosphofurin acidic cluster sorting protein 2; plus strand). Cytogenetic location: 14q32.33.
Variant type: single nucleotide variant.
Coding change: c.2417G>C on transcript NM_001100913.3 (MANE Select); coding-DNA position 2417, G replaced by C.
Protein change: p.Ser806Thr; replaces serine 806 with threonine.
Molecular consequence: missense variant.
Genome position (GRCh38, 1-based): chr14:105,392,780, G>C. VCF-style: chr14-105392780-G-C. GRCh37 (hg19) VCF-style: chr14-105859117-G-C.
Other names: c.2147G>C, p.Ser716Thr (NM_001243127.3); c.2372G>C, p.Ser791Thr (NM_015197.4); short protein forms S716T, S791T, S806T.
Identifiers: ClinVar variation 3234708 (VCV003234708.20), dbSNP rs1555415282, ClinGen allele CA391187948.

ClinVar aggregate classification (germline): Uncertain significance (1 of 4 stars; one submission).

Submission:

CeGaT Center for Human Genetics Tuebingen
Classification: Uncertain significance. Last evaluated: 2024-04-01. Review status: criteria provided, single submitter. Criteria: CeGaT Center For Human Genetics Tuebingen Variant Classification Criteria Version 2. Collection method: clinical testing. Allele origin: germline. Affected: yes. Observed: 1 variant allele.
Comment: PACS2: PM2, PM6:Supporting, BP4